The following is an entry in ClinVar:

ClinVar aggregate classification (germline): Uncertain significance (1 of 4 stars; one submission).

Allele frequency attached by ClinVar (database versions not stated): ExAC 0.00001; gnomAD 0.00001; TOPMed 0.00002; ESP Exome Variant Server 0.00008.
gnomAD v4.1: 1 of 1,614,044 alleles (0.000062%); highest among the groups gnomAD compares: African/African-American, 0.0013%; no homozygotes.

Submission:

Labcorp Genetics (formerly Invitae), Labcorp
Classification: Uncertain significance. Last evaluated: 2023-10-03. Review status: criteria provided, single submitter. Criteria: Invitae Variant Classification Sherloc (09022015). Collection method: clinical testing. Allele origin: germline.
Comment: This sequence change replaces lysine, which is basic and polar, with glutamic acid, which is acidic and polar, at codon 1131 of the CAMTA1 protein (p.Lys1131Glu). This variant is present in population databases (rs376548872, gnomAD 0.007%). This variant has not been reported in the literature in individuals affected with CAMTA1-related conditions. An algorithm developed to predict the effect of missense changes on protein structure and function (PolyPhen-2) suggests that this variant is likely to be disruptive. In summary, the available evidence is currently insufficient to determine the role of this variant in disease. Therefore, it has been classified as a Variant of Uncertain Significance.

NM_015215.4(CAMTA1):c.3391A>G (p.Lys1131Glu)

Gene: CAMTA1 (calmodulin binding transcription activator 1; plus strand). Cytogenetic location: 1p36.23.
Variant type: single nucleotide variant.
Coding change: c.3391A>G on transcript NM_015215.4 (MANE Select); coding-DNA position 3391, A replaced by G.
Protein change: p.Lys1131Glu; replaces lysine 1131 with glutamic acid.
Molecular consequence: missense variant.
Genome position (GRCh38, 1-based): chr1:7,737,303, A>G. VCF-style: chr1-7737303-A-G. GRCh37 (hg19) VCF-style: chr1-7797363-A-G.
Other names: c.463A>G, p.Lys155Glu (NM_001349620.1, NM_001349621.1, NM_001349622.2 and 10 more transcripts); c.3391A>G, p.Lys1131Glu (NM_001410737.1, NM_001349609.2, NM_001349610.2); c.3319A>G, p.Lys1107Glu (NM_001410738.1); c.3301A>G, p.Lys1101Glu (NM_001349608.2, NM_001349612.2); c.520A>G, p.Lys174Glu (NM_001349613.1); short protein forms K174E, K1101E, K1107E, K155E, K1131E.
Identifiers: ClinVar variation 2864653 (VCV002864653.3), dbSNP rs376548872, ClinGen allele CA566946.